The following is an entry in ClinVar:

ClinVar aggregate classification (germline): Uncertain significance (1 of 4 stars; one submission).

Conditions:
Schuurs-Hoeijmakers syndrome. Also called: PACS1-Related Neurodevelopmental Disorder. Identifiers: Orphanet 329224, MedGen C3554343, MONDO:0014006, OMIM 615009.

Submission:

Labcorp Genetics (formerly Invitae), Labcorp
Classification: Uncertain significance for Schuurs-Hoeijmakers syndrome. Last evaluated: 2025-10-15. Review status: criteria provided, single submitter. Criteria: Invitae Variant Classification Sherloc (09022015). Collection method: clinical testing. Allele origin: germline.
Comment: This sequence change replaces glutamic acid, which is acidic and polar, with valine, which is neutral and non-polar, at codon 304 of the PACS1 protein (p.Glu304Val). This variant is not present in population databases (gnomAD no frequency). This variant has not been reported in the literature in individuals affected with PACS1-related conditions. ClinVar contains an entry for this variant (Variation ID: 2750179). Invitae Evidence Modeling of protein sequence and biophysical properties (such as structural, functional, and spatial information, amino acid conservation, physicochemical variation, residue mobility, and thermodynamic stability) indicates that this missense variant is not expected to disrupt PACS1 protein function with a negative predictive value of 80%. In summary, the available evidence is currently insufficient to determine the role of this variant in disease. Therefore, it has been classified as a Variant of Uncertain Significance.

NM_018026.4(PACS1):c.911A>T (p.Glu304Val)

Gene: PACS1 (phosphofurin acidic cluster sorting protein 1; plus strand). Cytogenetic location: 11q13.2.
Variant type: single nucleotide variant.
Coding change: c.911A>T on transcript NM_018026.4 (MANE Select); coding-DNA position 911, A replaced by T.
Protein change: p.Glu304Val; replaces glutamic acid 304 with valine.
Molecular consequence: missense variant.
Genome position (GRCh38, 1-based): chr11:66,216,708, A>T. VCF-style: chr11-66216708-A-T. GRCh37 (hg19) VCF-style: chr11-65984179-A-T.
Other names: short protein forms E304V.
Identifiers: ClinVar variation 2750179 (VCV002750179.3), dbSNP rs1378315375, ClinGen allele CA381351048.